The following is an entry in ClinVar:

NM_020247.5(COQ8A):c.1049A>G (p.Lys350Arg)

Gene: COQ8A (coenzyme Q8A; plus strand). Cytogenetic location: 1q42.13.
Variant type: single nucleotide variant.
Coding change: c.1049A>G on transcript NM_020247.5 (MANE Select); coding-DNA position 1049, A replaced by G.
Protein change: p.Lys350Arg; replaces lysine 350 with arginine.
Molecular consequence: missense variant.
Genome position (GRCh38, 1-based): chr1:226,983,003, A>G. VCF-style: chr1-226983003-A-G. GRCh37 (hg19) VCF-style: chr1-227170704-A-G.
Other names: short protein forms K350R.
Identifiers: ClinVar variation 446786 (VCV000446786.10), dbSNP rs548317868, ClinGen allele CA1425275.

ClinVar aggregate classification (germline): Conflicting classifications of pathogenicity. Review status: criteria provided, conflicting classifications (1 of 4 stars). 3 submissions from 3 submitters: Uncertain significance (2); Likely benign (1). Last evaluated 2025-09-06.

Conditions:
Autosomal recessive ataxia due to ubiquinone deficiency. Also called: SPINOCEREBELLAR ATAXIA, AUTOSOMAL RECESSIVE 9; Coenzyme Q10 deficiency, primary, 4. Identifiers: Orphanet 139485, MedGen C2677589, MONDO:0012784, OMIM 612016.

Allele frequency attached by ClinVar (database versions not stated): gnomAD 0.00001 and 0.00005; TOPMed 0.00001; gnomAD exomes 0.00017 and 0.00035; 1000 Genomes Project 30x 0.00031; 1000 Genomes Project 0.00040; ExAC 0.00079.
gnomAD v4.1: 246 of 1,596,440 alleles (0.015%); highest among the groups gnomAD compares: South Asian, 0.27%; 1 homozygote.

Submissions (3):

Labcorp Genetics (formerly Invitae), Labcorp
Classification: Likely benign. Last evaluated: 2025-09-06. Review status: criteria provided, single submitter. Criteria: Invitae Variant Classification Sherloc (09022015). Collection method: clinical testing. Allele origin: germline.

Neuberg Centre For Genomic Medicine, NCGM
Classification: Uncertain significance for Autosomal recessive ataxia due to ubiquinone deficiency. Last evaluated: 2023-06-02. Review status: criteria provided, single submitter. Criteria: ACMG Guidelines, 2015. Collection method: clinical testing. Allele origin: germline. Inheritance: Autosomal recessive inheritance. Affected: yes.
Comment: The observed missense c.1049A>G(p.Lys350Arg) variant in COQ8A gene has not been reported previously as a pathogenic variant nor a benign variant, to our knowledge. The p.Lys350Arg variant has been reported with allele frequency of 0.03% in gnomAD Exomes. This variant has been reported to the ClinVar database as Likely Benign / Uncertain Significance. Computational evidenceS (Polyphen - Benign, SIFT - Tolerated and MutationTaster - Disease causing) predict conflicting evidence on protein structure and function for this variant. The amino acid change p.Lys350Arg in COQ8A is predicted as conserved by GERP++ and PhyloP across 100 vertebrates. The amino acid Lys at position 350 is changed to a Arg changing protein sequence and it might alter its composition and physico-chemical properties. For these reasons, this variant has been classified as a Variant of Uncertain Significance (VUS). In absence of another reportable variant in COQ8A gene, the molecular diagnosis is not confirmed. This variant is absent in AF

Athena Diagnostics
Classification: Uncertain significance. Last evaluated: 2016-09-20. Review status: criteria provided, single submitter. Criteria: Athena Diagnostics Criteria. Collection method: clinical testing. Allele origin: germline.